The following is an entry in ClinVar:

NM_015340.4(LARS2):c.487C>A (p.Arg163Ser)

Gene: LARS2 (leucyl-tRNA synthetase 2, mitochondrial; plus strand). Cytogenetic location: 3p21.31.
Variant type: single nucleotide variant.
Coding change: c.487C>A on transcript NM_015340.4 (MANE Select); coding-DNA position 487, C replaced by A.
Protein change: p.Arg163Ser; replaces arginine 163 with serine.
Molecular consequence: missense variant.
Genome position (GRCh38, 1-based): chr3:45,419,700, C>A. VCF-style: chr3-45419700-C-A. GRCh37 (hg19) VCF-style: chr3-45461192-C-A.
Other names: c.487C>A, p.Arg163Ser (NM_001368263.1); short protein forms R163S.
Identifiers: ClinVar variation 4744581 (VCV004744581.1).

ClinVar aggregate classification (germline): Uncertain significance (1 of 4 stars; one submission).

Submission:

Labcorp Genetics (formerly Invitae), Labcorp
Classification: Uncertain significance. Last evaluated: 2025-10-05. Review status: criteria provided, single submitter. Criteria: Invitae Variant Classification Sherloc (09022015). Collection method: clinical testing. Allele origin: germline.
Comment: This sequence change replaces arginine, which is basic and polar, with serine, which is neutral and polar, at codon 163 of the LARS2 protein (p.Arg163Ser). This variant is not present in population databases (gnomAD no frequency). This variant has not been reported in the literature in individuals affected with LARS2-related conditions. Invitae Evidence Modeling of protein sequence and biophysical properties (such as structural, functional, and spatial information, amino acid conservation, physicochemical variation, residue mobility, and thermodynamic stability) indicates that this missense variant is not expected to disrupt LARS2 protein function with a negative predictive value of 80%. Algorithms developed to predict the effect of sequence changes on RNA splicing suggest that this variant may disrupt the consensus splice site. In summary, the available evidence is currently insufficient to determine the role of this variant in disease. Therefore, it has been classified as a Variant of Uncertain Significance.